The following is an entry in ClinVar:

ClinVar aggregate classification (germline): Uncertain significance (1 of 4 stars; one submission).

Allele frequency attached by ClinVar (database versions not stated): gnomAD exomes 0.00001.
gnomAD v4.1: 6 of 1,614,200 alleles (0.00037%); highest among the groups gnomAD compares: Non-Finnish European, 0.00051%; no homozygotes.

Submission:

GeneDx
Classification: Uncertain significance. Last evaluated: 2022-11-17. Review status: criteria provided, single submitter. Criteria: GeneDx Variant Classification Process June 2021. Collection method: clinical testing. Allele origin: germline. Affected: yes.
Comment: Not observed at significant frequency in large population cohorts (gnomAD); In silico analysis supports that this missense variant has a deleterious effect on protein structure/function; Has not been previously published as pathogenic or benign to our knowledge

NM_002472.3(MYH8):c.4253A>C (p.Glu1418Ala)

Genes: MYH8 (myosin heavy chain 8; minus strand), MYHAS (myosin heavy chain gene cluster antisense RNA; plus strand). Cytogenetic location: 17p13.1.
Variant type: single nucleotide variant.
Coding change: c.4253A>C on transcript NM_002472.3 (MANE Select); coding-DNA position 4253, A replaced by C.
Protein change: p.Glu1418Ala; replaces glutamic acid 1418 with alanine.
Molecular consequence: missense variant.
Genome position (GRCh38, 1-based): chr17:10,396,912, T>G on the plus strand (A>C on the coding strand, the complement: MYH8 is on the minus strand). VCF-style: chr17-10396912-T-G. GRCh37 (hg19) VCF-style: chr17-10300229-T-G.
Other names: short protein forms E1418A.
Identifiers: ClinVar variation 2502495 (VCV002502495.1), dbSNP rs2508027162, ClinGen allele CA398099074.